The following is an entry in ClinVar:

ClinVar aggregate classification (germline): Benign/Likely benign. Review status: criteria provided, multiple submitters, no conflicts (2 of 4 stars). 4 submissions from 4 submitters: Benign (1); Likely benign (3). Last evaluated 2026-06-16.

Conditions:
Polyps, multiple and recurrent inflammatory fibroid, gastrointestinal. Identifiers: MedGen C5193005, MONDO:0008285, OMIM 175510.
Hereditary cancer-predisposing syndrome. Also called: Neoplastic Syndromes, Hereditary; Hereditary neoplastic syndrome; Hereditary Cancer Syndrome; Tumor predisposition. Identifiers: Orphanet 140162, MedGen C0027672, MeSH D009386, MONDO:0015356.
Gastrointestinal stromal tumor. Also called: Gastrointestinal stromal tumor, somatic; Gastrointestinal stroma tumor. Identifiers: Orphanet 44890, MedGen C0238198, MeSH D046152, MONDO:0011719, OMIM 606764, HP:0100723.

Allele frequency attached by ClinVar (database versions not stated): gnomAD exomes below 0.00001 and 0.00001.
gnomAD v4.1: 13 of 1,614,068 alleles (0.00081%); highest among the groups gnomAD compares: Middle Eastern, 0.017%; no homozygotes.

Submissions (4):

Myriad Genetics, Inc.
Classification: Benign for Polyps, multiple and recurrent inflammatory fibroid, gastrointestinal. Last evaluated: 2026-06-16. Review status: criteria provided, single submitter. Criteria: Myriad Autosomal Dominant, Autosomal Recessive and X-Linked Classification Criteria (2023). Collection method: clinical testing. Allele origin: unknown.
Comment: This variant is considered benign. This variant is a silent/synonymous amino acid change and it is not expected to impact splicing.

Labcorp Genetics (formerly Invitae), Labcorp
Classification: Likely benign for Gastrointestinal stromal tumor. Last evaluated: 2025-09-22. Review status: criteria provided, single submitter. Criteria: Invitae Variant Classification Sherloc (09022015). Collection method: clinical testing. Allele origin: germline.

Blueprint Genetics
Classification: Likely benign. Last evaluated: 2024-09-13. Review status: criteria provided, single submitter. Criteria: ACMG Guidelines, 2015. Collection method: clinical testing. Allele origin: germline.

Ambry Genetics
Classification: Likely benign for Hereditary cancer-predisposing syndrome. Last evaluated: 2023-03-05. Review status: criteria provided, single submitter. Criteria: Ambry Variant Classification Scheme 2023. Collection method: clinical testing. Allele origin: germline.

NM_006206.6(PDGFRA):c.1053A>G (p.Lys351=)

Gene: PDGFRA (platelet derived growth factor receptor alpha; plus strand). Cytogenetic location: 4q12.
Variant type: single nucleotide variant.
Coding change: c.1053A>G on transcript NM_006206.6 (MANE Select); coding-DNA position 1053, A replaced by G.
Protein change: p.Lys351=; no amino-acid change (lysine 351 retained).
Molecular consequence: synonymous variant.
Genome position (GRCh38, 1-based): chr4:54,267,673, A>G. VCF-style: chr4-54267673-A-G. GRCh37 (hg19) VCF-style: chr4-55133840-A-G.
Other names: c.1053A>G, p.Lys351= (NM_001347827.2, NM_001347829.2); c.1128A>G, p.Lys376= (NM_001347828.2); c.1092A>G, p.Lys364= (NM_001347830.2).
Identifiers: ClinVar variation 701150 (VCV000701150.15), dbSNP rs1258571614, ClinGen allele CA439286767.